The following is an entry in ClinVar:

NM_014780.5(CUL7):c.268G>A (p.Gly90Arg)

Gene: CUL7 (cullin 7; minus strand). Cytogenetic location: 6p21.1.
Variant type: single nucleotide variant.
Coding change: c.268G>A on transcript NM_014780.5 (MANE Select); coding-DNA position 268, G replaced by A.
Protein change: p.Gly90Arg; replaces glycine 90 with arginine.
Molecular consequence: missense variant.
Genome position (GRCh38, 1-based): chr6:43,052,521, C>T on the plus strand (G>A on the coding strand, the complement: CUL7 is on the minus strand). VCF-style: chr6-43052521-C-T. GRCh37 (hg19) VCF-style: chr6-43020259-C-T.
Other names: c.268G>A, p.Gly90Arg (NM_001168370.2, NM_001374872.1, NM_001374873.1 and 1 more transcripts); short protein forms G90R.
Identifiers: ClinVar variation 910392 (VCV000910392.8), dbSNP rs370127154, ClinGen allele CA3814424.
Genomic context (GRCh38, chr6:43,052,521, plus strand): 5'-TCTCCTCCAGCACAGATTTGTCCAGGGCCCCAACCTCCCCTGCAGACTCCTGGGAGGGCC[C>T]GATGACCTGGCCATCCTCGCCCAGCATCTTGTGGCAGTTGGCATAGATCTCATCCTTGGA-3'
Protein context (NP_055595.2, residues 80-100): KMLGEDGQVI[Gly90Arg]PSQESAGEVG

ClinVar aggregate classification (germline): Uncertain significance. Review status: criteria provided, multiple submitters, no conflicts (2 of 4 stars). 2 submissions from 2 submitters: Uncertain significance (2). Last evaluated 2022-08-15.

Conditions:
3M syndrome 1. Also called: 3-M Syndrome, CUL7-Related. Identifiers: Orphanet 2616, MedGen C2678312, MONDO:0010117, OMIM 273750.

Allele frequency attached by ClinVar (database versions not stated): gnomAD 0.00001; gnomAD exomes 0.00001 and 0.00003; TOPMed 0.00001; ExAC 0.00004; ESP Exome Variant Server 0.00008; 1000 Genomes Project 30x 0.00016; 1000 Genomes Project 0.00020.
gnomAD v4.1: 20 of 1,614,198 alleles (0.0012%); highest among the groups gnomAD compares: Admixed American, 0.005%; no homozygotes.

Submissions (2):

Labcorp Genetics (formerly Invitae), Labcorp
Classification: Uncertain significance. Last evaluated: 2022-08-15. Review status: criteria provided, single submitter. Criteria: Invitae Variant Classification Sherloc (09022015). Collection method: clinical testing. Allele origin: germline.
Comment: This sequence change replaces glycine, which is neutral and non-polar, with arginine, which is basic and polar, at codon 90 of the CUL7 protein (p.Gly90Arg). This variant is present in population databases (rs370127154, gnomAD 0.009%). This variant has not been reported in the literature in individuals affected with CUL7-related conditions. ClinVar contains an entry for this variant (Variation ID: 910392). Algorithms developed to predict the effect of missense changes on protein structure and function output the following: SIFT: "Tolerated"; PolyPhen-2: "Benign"; Align-GVGD: "Class C0". The arginine amino acid residue is found in multiple mammalian species, which suggests that this missense change does not adversely affect protein function. In summary, the available evidence is currently insufficient to determine the role of this variant in disease. Therefore, it has been classified as a Variant of Uncertain Significance.

Illumina Laboratory Services, Illumina
Classification: Uncertain significance for 3M syndrome 1. Last evaluated: 2018-01-12. Review status: criteria provided, single submitter. Criteria: ICSL Variant Classification Criteria 13 December 2019. Collection method: clinical testing. Allele origin: germline.